The following is an entry in ClinVar:

ClinVar aggregate classification (germline): Conflicting classifications of pathogenicity. Review status: criteria provided, conflicting classifications (1 of 4 stars). 3 submissions from 3 submitters: Uncertain significance (1); Likely benign (2). Last evaluated 2026-01-07.

Conditions:
Inborn genetic diseases. Identifiers: MedGen C0950123, MeSH D030342.
CHD8-related disorder. Also called: CHD8-related condition; CHD8-related disorders.

Allele frequency attached by ClinVar (database versions not stated): gnomAD 0.00011; TOPMed 0.00026.
gnomAD v4.1: 30 of 1,613,902 alleles (0.0019%); highest among the groups gnomAD compares: Admixed American, 0.043%; no homozygotes.

Submissions (3):

PreventionGenetics, part of Exact Sciences
Classification: Uncertain significance for CHD8-related condition. Last evaluated: 2026-01-07. Review status: criteria provided, single submitter. Criteria: ACMG Guidelines, 2015. Collection method: clinical testing. Allele origin: germline.
Comment: The CHD8 c.5713C>T variant is predicted to result in the amino acid substitution p.Leu1905Phe. To our knowledge, this variant has not been reported in the literature. This variant is reported in 0.0028% of alleles in individuals of Latino descent in gnomAD. At this time, the clinical significance of this variant is uncertain due to the absence of conclusive functional and genetic evidence.

Labcorp Genetics (formerly Invitae), Labcorp
Classification: Likely benign. Last evaluated: 2025-12-02. Review status: criteria provided, single submitter. Criteria: Invitae Variant Classification Sherloc (09022015). Collection method: clinical testing. Allele origin: germline.

Ambry Genetics
Classification: Likely benign for Inborn genetic diseases. Last evaluated: 2018-07-09. Review status: criteria provided, single submitter. Criteria: Ambry Variant Classification Scheme 2023. Collection method: clinical testing. Allele origin: germline.

NM_001170629.2(CHD8):c.5713C>T (p.Leu1905Phe)

Gene: CHD8 (chromodomain helicase DNA binding protein 8; minus strand). Cytogenetic location: 14q11.2.
Variant type: single nucleotide variant.
Coding change: c.5713C>T on transcript NM_001170629.2 (MANE Select); coding-DNA position 5713, C replaced by T.
Protein change: p.Leu1905Phe; replaces leucine 1905 with phenylalanine.
Molecular consequence: missense variant.
Genome position (GRCh38, 1-based): chr14:21,394,082, G>A on the plus strand (C>T on the coding strand, the complement: CHD8 is on the minus strand). VCF-style: chr14-21394082-G-A. GRCh37 (hg19) VCF-style: chr14-21862241-G-A.
Other names: c.4876C>T, p.Leu1626Phe (NM_020920.4); short protein forms L1905F, L1626F.
Identifiers: ClinVar variation 1749252 (VCV001749252.8), dbSNP rs916419217, ClinGen allele CA257593644.
Genomic context (GRCh38, chr14:21,394,082, plus strand): 5'-CCCACCATTTGGGCAATTCAGGACCAGGAGGCTGACACAATGCCAGCCGATCTTCCAAAA[G>A]GGGGTGGCATAAAACTTGTTCCCGTAAGCGCCGAAGCAATTCTATACGGTAGAGAGTCCG-3'
Protein context (NP_001164100.1, residues 1895-1915): RLREQVLCHP[Leu1905Phe]LEDRLALCQP